The following is an entry in ClinVar:

ClinVar aggregate classification (germline): Uncertain significance (1 of 4 stars; one submission).

Conditions:
BBS4-related disorder. Also called: BBS4-related condition.

Submission:

PreventionGenetics, part of Exact Sciences
Classification: Uncertain significance for BBS4-related condition. Last evaluated: 2024-12-19. Review status: criteria provided, single submitter. Criteria: ACMG Guidelines, 2015. Collection method: clinical testing. Allele origin: germline.
Comment: The BBS4 c.149C>A variant is predicted to result in the amino acid substitution p.Ala50Asp. To our knowledge, this variant has not been reported in the literature. This variant is reported in 0.0062% of alleles in individuals of African descent in gnomAD. At this time, the clinical significance of this variant is uncertain due to the absence of conclusive functional and genetic evidence.

NM_033028.5(BBS4):c.149C>A (p.Ala50Asp)

Gene: BBS4 (Bardet-Biedl syndrome 4; plus strand). Cytogenetic location: 15q24.1.
Variant type: single nucleotide variant.
Coding change: c.149C>A on transcript NM_033028.5 (MANE Select); coding-DNA position 149, C replaced by A.
Protein change: p.Ala50Asp; replaces alanine 50 with aspartic acid.
Molecular consequence: missense variant. On other transcripts: 5 prime UTR variant (1), non-coding transcript variant (2).
Genome position (GRCh38, 1-based): chr15:72,709,772, C>A. VCF-style: chr15-72709772-C-A. GRCh37 (hg19) VCF-style: chr15-73002113-C-A.
Other names: c.-373C>A (NM_001252678.2); c.149C>A, p.Ala50Asp (NM_001320665.2); short protein forms A50D.
Identifiers: ClinVar variation 5001786 (VCV005001786.1).